The following is an entry in ClinVar:

ClinVar aggregate classification (germline): Pathogenic/Likely pathogenic. Review status: criteria provided, multiple submitters, no conflicts (2 of 4 stars). 4 submissions from 4 submitters: Pathogenic (2); Likely pathogenic (2). Last evaluated 2025-10-02.

Conditions:
LAMA2-related muscular dystrophy (LAMA2-RD). Also called: Laminin alpha 2-related dystrophy. Identifiers: MedGen C5679788, MONDO:0100228.
Merosin deficient congenital muscular dystrophy (MDC1A). Also called: Congenital merosin-deficient muscular dystrophy 1A; Congenital Muscular Dystrophy Type 1A (MDC1A). Identifiers: Orphanet 258, MedGen C1263858, MONDO:0011925, OMIM 607855.

Allele frequency attached by ClinVar (database versions not stated): gnomAD exomes below 0.00001; ExAC 0.00001.
gnomAD v4.1: 9 of 1,612,800 alleles (0.00056%); highest among the groups gnomAD compares: East Asian, 0.0067%; no homozygotes.

Submissions (4):

Labcorp Genetics (formerly Invitae), Labcorp
Classification: Pathogenic for LAMA2-related muscular dystrophy. Last evaluated: 2025-10-02. Review status: criteria provided, single submitter. Criteria: Invitae Variant Classification Sherloc (09022015). Collection method: clinical testing. Allele origin: germline.
Comment: This sequence change affects a donor splice site in intron 19 of the LAMA2 gene. It is expected to disrupt RNA splicing. Variants that disrupt the donor or acceptor splice site typically lead to a loss of protein function (PMID: 16199547), and loss-of-function variants in LAMA2 are known to be pathogenic (PMID: 18700894, 32904964). This variant is present in population databases (rs759555791, gnomAD 0.006%). Disruption of this splice site has been observed in individual(s) with clinical features of LAMA2-related muscular dystrophy (PMID: 21922472, 24225367). It has also been observed to segregate with disease in related individuals. ClinVar contains an entry for this variant (Variation ID: 552629). Algorithms developed to predict the effect of sequence changes on RNA splicing suggest that this variant may disrupt the consensus splice site. For these reasons, this variant has been classified as Pathogenic.

Baylor Genetics
Classification: Pathogenic for Merosin deficient congenital muscular dystrophy. Last evaluated: 2024-02-19. Review status: criteria provided, single submitter. Criteria: ACMG Guidelines, 2015. Collection method: clinical testing. Allele origin: unknown.

Myriad Genetics, Inc.
Classification: Likely pathogenic for LAMA2-related muscular dystrophy. Last evaluated: 2021-11-08. Review status: criteria provided, single submitter. Criteria: Myriad Autosomal Dominant, Autosomal Recessive and X-Linked Classification Criteria (2023). Collection method: clinical testing. Allele origin: unknown.
Comment: NM_000426.3(LAMA2):c.2749+1G>A is a canonical splice variant classified as likely pathogenic in the context of muscular dystrophy, LAMA2-related. c.2749+1G>A has been observed in cases with relevant disease (PMID: 24225367, 21922472). Functional assessments of this variant are not available in the literature. c.2749+1G>A has been observed in population frequency databases (gnomAD: EAS 0.01%). In summary, NM_000426.3(LAMA2):c.2749+1G>A is a canonical splice variant in a gene where loss of function is a known mechanism of disease, is predicted to disrupt protein function, and has been observed more frequently in cases with the relevant disease than in healthy populations. Please note: this variant was assessed in the context of healthy population screening.

Molecular Diagnostics Laboratory, M Health Fairview: University of Minnesota
Classification: Likely pathogenic for Merosin deficient congenital muscular dystrophy. Last evaluated: 2017-01-16. Review status: criteria provided, single submitter. Criteria: ACMG Guidelines, 2015. Collection method: clinical testing. Allele origin: germline. Affected: yes. Observed: 1 variant allele.

Literature cited by the submitters: PubMed 16199547 (cited by Labcorp Genetics (formerly Invitae), Labcorp); PubMed 18700894 (cited by Labcorp Genetics (formerly Invitae), Labcorp); PubMed 32904964 (cited by Labcorp Genetics (formerly Invitae), Labcorp); PubMed 21922472 (cited by Labcorp Genetics (formerly Invitae), Labcorp and Myriad Genetics, Inc.); PubMed 24225367 (cited by Labcorp Genetics (formerly Invitae), Labcorp and Myriad Genetics, Inc.).

NM_000426.4(LAMA2):c.2749+1G>A

Gene: LAMA2 (laminin subunit alpha 2; plus strand). Cytogenetic location: 6q22.33.
Variant type: single nucleotide variant.
Coding change: c.2749+1G>A on transcript NM_000426.4 (MANE Select); the canonical splice donor site of the intron after coding-DNA position 2749, G replaced by A.
Molecular consequence: splice donor variant.
Genome position (GRCh38, 1-based): chr6:129,288,059, G>A. VCF-style: chr6-129288059-G-A. GRCh37 (hg19) VCF-style: chr6-129609204-G-A.
Other names: c.2749+1G>A (NM_001079823.2).
Identifiers: ClinVar variation 552629 (VCV000552629.14), dbSNP rs759555791, ClinGen allele CA3993040.